The following is an entry in ClinVar:

ClinVar aggregate classification (germline): Uncertain significance (1 of 4 stars; one submission).

Conditions:
Early Myoclonic Encephalopathy. Identifiers: MedGen C0270855.

Allele frequency attached by ClinVar (database versions not stated): gnomAD exomes below 0.00001.

Submission:

Labcorp Genetics (formerly Invitae), Labcorp
Classification: Uncertain significance for Early Myoclonic Encephalopathy. Last evaluated: 2024-10-15. Review status: criteria provided, single submitter. Criteria: Invitae Variant Classification Sherloc (09022015). Collection method: clinical testing. Allele origin: germline.
Comment: This sequence change replaces methionine, which is neutral and non-polar, with valine, which is neutral and non-polar, at codon 1920 of the JMJD1C protein (p.Met1920Val). This variant is not present in population databases (gnomAD no frequency). This variant has not been reported in the literature in individuals affected with JMJD1C-related conditions. ClinVar contains an entry for this variant (Variation ID: 654008). Invitae Evidence Modeling of protein sequence and biophysical properties (such as structural, functional, and spatial information, amino acid conservation, physicochemical variation, residue mobility, and thermodynamic stability) indicates that this missense variant is not expected to disrupt JMJD1C protein function with a negative predictive value of 80%. In summary, the available evidence is currently insufficient to determine the role of this variant in disease. Therefore, it has been classified as a Variant of Uncertain Significance.

NM_032776.3(JMJD1C):c.5758A>G (p.Met1920Val)

Gene: JMJD1C (jumonji domain containing 1C; minus strand). Cytogenetic location: 10q21.3.
Variant type: single nucleotide variant.
Coding change: c.5758A>G on transcript NM_032776.3 (MANE Select); coding-DNA position 5758, A replaced by G.
Protein change: p.Met1920Val; replaces methionine 1920 with valine.
Molecular consequence: missense variant. On other transcripts: non-coding transcript variant (1).
Genome position (GRCh38, 1-based): chr10:63,193,449, T>C on the plus strand (A>G on the coding strand, the complement: JMJD1C is on the minus strand). VCF-style: chr10-63193449-T-C. GRCh37 (hg19) VCF-style: chr10-64953209-T-C.
Other names: c.5212A>G, p.Met1738Val (NM_001282948.2, NM_001318154.2); c.4894A>G, p.Met1632Val (NM_001318153.2); c.5644A>G, p.Met1882Val (NM_001322252.2); c.5101A>G, p.Met1701Val (NM_001322254.2, NM_001322258.2); short protein forms M1882V, M1920V, M1632V, M1701V, M1738V.
Identifiers: ClinVar variation 654008 (VCV000654008.8), dbSNP rs1589111995, ClinGen allele CA377027855.
Genomic context (GRCh38, chr10:63,193,449, plus strand): 5'-TCTGTTTGTTAGTACAATGACAATGGGATTTAATACCATATTTTTCCCTAAGAGTGTGCA[T>C]GGCATCTAGAAGATCTGTCAAAACTACAAAATAAAATGGTAGTTAATAAAAAGATTACCA-3'
Protein context (NP_116165.1, residues 1910-1930): GSVLTDLLDA[Met1920Val]HTLREKYGIK